The following is an entry in ClinVar:

NM_000038.6(APC):c.1348G>A (p.Val450Met)

Gene: APC (APC regulator of Wnt signaling pathway; plus strand). Cytogenetic location: 5q22.2.
Variant type: single nucleotide variant.
Coding change: c.1348G>A on transcript NM_000038.6 (MANE Select); coding-DNA position 1348, G replaced by A.
Protein change: p.Val450Met; replaces valine 450 with methionine.
Molecular consequence: missense variant.
Genome position (GRCh38, 1-based): chr5:112,821,931, G>A. VCF-style: chr5-112821931-G-A. GRCh37 (hg19) VCF-style: chr5-112157628-G-A.
Other names: c.1348G>A, p.Val450Met (NM_001127510.3, NM_001354895.2, NM_001354896.2); c.1294G>A, p.Val432Met (NM_001127511.3); c.1378G>A, p.Val460Met (NM_001354897.2); c.1273G>A, p.Val425Met (NM_001354898.2); c.1264G>A, p.Val422Met (NM_001354899.2); c.1171G>A, p.Val391Met (NM_001354900.2, NM_001354901.2); c.1075G>A, p.Val359Met (NM_001354902.2); c.1045G>A, p.Val349Met (NM_001354903.2); and 3 more; short protein forms V391M, V425M, V167M, V290M, V460M, V349M, V422M, V450M.
Identifiers: ClinVar variation 942507 (VCV000942507.13), dbSNP rs1561546045, ClinGen allele CA16024254.
Genomic context (GRCh38, chr5:112,821,931, plus strand): 5'-GGTTTATGTTGATTTTATTTTTCAGTGCCAGCTCCTGTTGAACATCAGATCTGTCCTGCT[G>A]TGTGTGTTCTAATGAAACTTTCATTTGATGAAGAGCATAGACATGCAATGAATGAACTAG-3'
Protein context (NP_000029.2, residues 440-460): APVEHQICPA[Val450Met]CVLMKLSFDE

ClinVar aggregate classification (germline): Uncertain significance. Review status: criteria provided, multiple submitters, no conflicts (2 of 4 stars). 3 submissions from 3 submitters: Uncertain significance (3). Last evaluated 2025-12-15.

Conditions:
Hereditary cancer-predisposing syndrome. Also called: Tumor predisposition; Hereditary neoplastic syndrome; Hereditary Cancer Syndrome; Neoplastic Syndromes, Hereditary. Identifiers: Orphanet 140162, MedGen C0027672, MeSH D009386, MONDO:0015356.
Classic or attenuated familial adenomatous polyposis. Identifiers: MedGen CN372698, MONDO:0021057.
Familial adenomatous polyposis 1 (FAP1). Also called: FAMILIAL ADENOMATOUS POLYPOSIS 1, ATTENUATED; POLYPOSIS, ADENOMATOUS INTESTINAL. Identifiers: MedGen C2713442, MONDO:0021056, OMIM 175100. Disease mechanism: loss of function.

Submissions (3):

Ambry Genetics
Classification: Uncertain significance for Hereditary cancer-predisposing syndrome. Last evaluated: 2025-12-15. Review status: criteria provided, single submitter. Criteria: Ambry Variant Classification Scheme 2023. Collection method: clinical testing. Allele origin: germline.
Comment: The p.V450M variant (also known as c.1348G>A), located in coding exon 10 of the APC gene, results from a G to A substitution at nucleotide position 1348. The valine at codon 450 is replaced by methionine, an amino acid with highly similar properties. This amino acid position is highly conserved in available vertebrate species. In addition, in silico predictors for this gene do not accurately predict pathogenicity. Missense variants in APC are not a common cause of disease (Spier I et al. Genet Med. 2024 Feb;26(2):100992). Based on the available evidence, the clinical significance of this variant remains unclear.

Labcorp Genetics (formerly Invitae), Labcorp
Classification: Uncertain significance for Familial adenomatous polyposis 1. Last evaluated: 2024-04-29. Review status: criteria provided, single submitter. Criteria: Invitae Variant Classification Sherloc (09022015). Collection method: clinical testing. Allele origin: germline.
Comment: This sequence change replaces valine, which is neutral and non-polar, with methionine, which is neutral and non-polar, at codon 450 of the APC protein (p.Val450Met). This variant is not present in population databases (gnomAD no frequency). This variant has not been reported in the literature in individuals affected with APC-related conditions. ClinVar contains an entry for this variant (Variation ID: 942507). Advanced modeling of protein sequence and biophysical properties (such as structural, functional, and spatial information, amino acid conservation, physicochemical variation, residue mobility, and thermodynamic stability) performed at Invitae indicates that this missense variant is not expected to disrupt APC protein function with a negative predictive value of 95%. In summary, the available evidence is currently insufficient to determine the role of this variant in disease. Therefore, it has been classified as a Variant of Uncertain Significance.

All of Us Research Program, National Institutes of Health
Classification: Uncertain significance for Classic or attenuated familial adenomatous polyposis. Last evaluated: 2023-06-28. Review status: criteria provided, single submitter. Criteria: ACMG Guidelines, 2015. Collection method: clinical testing. Allele origin: germline. Inheritance: Autosomal dominant inheritance. Observed: 1 variant allele, 1 heterozygote.
Comment: This study involves interpretation of variants in research participants for the purpose of population health screening. Participant phenotype was not available at the time of variant classification. Additional details can be found in publication PMID: 35346344, PMCID: PMC8962531